The following is an entry in ClinVar:

ClinVar aggregate classification (germline): Pathogenic. Review status: reviewed by expert panel (3 of 4 stars). 9 submissions from 9 submitters: Pathogenic (1). 8 of the submissions do not count toward it. Last evaluated 2016-09-08.

Conditions:
Hereditary cancer-predisposing syndrome. Also called: Hereditary Cancer Syndrome; Hereditary neoplastic syndrome; Neoplastic Syndromes, Hereditary; Tumor predisposition. Identifiers: Orphanet 140162, MedGen C0027672, MeSH D009386, MONDO:0015356.
Familial cancer of breast. Also called: hereditary breast carcinoma; BREAST CANCER, FAMILIAL; Hereditary breast cancer. Identifiers: Orphanet 227535, MedGen C0346153, MONDO:0016419, OMIM 114480. Disease mechanism: loss of function.
Hereditary breast ovarian cancer syndrome. Also called: BRCA1- and BRCA2-Associated Hereditary Breast and Ovarian Cancer; Hereditary breast and ovarian cancer syndrome; Hereditary breast and ovarian cancer syndrome (HBOC); Breast and ovarian cancer; Hereditary breast and/or ovarian cancer syndrome; Hereditary breast and ovarian cancer. Identifiers: Orphanet 145, MedGen C0677776, MeSH D061325, MONDO:0003582. Disease mechanism: loss of function.
Breast-ovarian cancer, familial, susceptibility to, 1 (BROVCA1). Also called: BRCA1 Hereditary Breast and Ovarian Cancer; OVARIAN CANCER, SUSCEPTIBILITY TO. Identifiers: Orphanet 145, MedGen C2676676, MONDO:0011450, OMIM 604370. Disease mechanism: loss of function.

Submissions (9):

Evidence-based Network for the Interpretation of Germline Mutant Alleles (ENIGMA)
Classification: Pathogenic for Breast-ovarian cancer, familial, susceptibility to, 1. Last evaluated: 2016-09-08. Review status: reviewed by expert panel. Criteria: ENIGMA BRCA1/2 Classification Criteria (2015). Collection method: curation. Allele origin: germline.
Comment: Variant allele predicted to encode a truncated non-functional protein.

Quest Diagnostics Nichols Institute San Juan Capistrano
Classification: Pathogenic. Last evaluated: 2024-11-18. Review status: criteria provided, single submitter. Criteria: Quest Diagnostics criteria. Collection method: clinical testing. Allele origin: unknown. Not counted in ClinVar's aggregate classification.
Comment: The BRCA1 c.5150del (p.Phe1717Serfs*3) variant alters the translational reading frame of the BRCA1 mRNA and causes the premature termination of BRCA1 protein synthesis. This variant has been reported in the published literature in an individual with breast and/or ovarian cancer (PMID: 32438681 (2020)). This variant has not been reported in large, multi-ethnic general populations (Genome Aggregation Database). Based on the available information, this variant is classified as pathogenic.

Ambry Genetics
Classification: Pathogenic for Hereditary cancer-predisposing syndrome. Last evaluated: 2024-07-30. Review status: criteria provided, single submitter. Criteria: Ambry Variant Classification Scheme 2023. Collection method: clinical testing. Allele origin: germline. Not counted in ClinVar's aggregate classification.
Comment: The c.5150delT pathogenic mutation, located in coding exon 16 of the BRCA1 gene, results from a deletion of one nucleotide at nucleotide position 5150, causing a translational frameshift with a predicted alternate stop codon (p.F1717Sfs*3). This alteration is expected to result in loss of function by premature protein truncation or nonsense-mediated mRNA decay. As such, this alteration is interpreted as a disease-causing mutation.

Labcorp Genetics (formerly Invitae), Labcorp
Classification: Pathogenic for Hereditary breast ovarian cancer syndrome. Last evaluated: 2022-08-10. Review status: criteria provided, single submitter. Criteria: Invitae Variant Classification Sherloc (09022015). Collection method: clinical testing. Allele origin: germline. Not counted in ClinVar's aggregate classification.
Comment: This sequence change creates a premature translational stop signal (p.Phe1717Serfs*3) in the BRCA1 gene. It is expected to result in an absent or disrupted protein product. Loss-of-function variants in BRCA1 are known to be pathogenic (PMID: 20104584). This variant is not present in population databases (gnomAD no frequency). This variant has not been reported in the literature in individuals affected with BRCA1-related conditions. This variant is also known as 5269delT. ClinVar contains an entry for this variant (Variation ID: 55422). For these reasons, this variant has been classified as Pathogenic.

Baylor Genetics
Classification: Pathogenic for Breast-ovarian cancer, familial, susceptibility to, 1. Last evaluated: 2022-06-16. Review status: criteria provided, single submitter. Criteria: ACMG Guidelines, 2015. Collection method: clinical testing. Allele origin: unknown. Not counted in ClinVar's aggregate classification.

GeneKor MSA
Classification: Pathogenic for Hereditary Breast Carcinoma. Last evaluated: 2020-01-01. Review status: criteria provided, single submitter. Criteria: ACMG Guidelines, 2015. Collection method: clinical testing. Allele origin: germline. Affected: yes. Not counted in ClinVar's aggregate classification.
Comment: This sequence change deletes one nucleotide base causing a frameshift and the creation of a premature translation stop signal 2 amino acid residues later. This is expected to result in an absent or disrupted protein product.

Consortium of Investigators of Modifiers of BRCA1/2 (CIMBA), c/o University of Cambridge
Classification: Pathogenic for Breast-ovarian cancer, familial, susceptibility to, 1. Last evaluated: 2015-10-02. Review status: criteria provided, single submitter. Criteria: CIMBA Mutation Classification guidelines May 2016. Collection method: clinical testing. Allele origin: germline. Not counted in ClinVar's aggregate classification.

Counsyl
Classification: Likely pathogenic for Breast-ovarian cancer, familial, susceptibility to, 1. Last evaluated: 2016-10-28. Review status: no assertion criteria provided. Collection method: clinical testing. Allele origin: unknown. Not counted in ClinVar's aggregate classification.

Breast Cancer Information Core (BIC) (BRCA1)
Classification: Pathogenic for Breast-ovarian cancer, familial 1. Last evaluated: 2004-02-20. Review status: no assertion criteria provided. Collection method: clinical testing. Allele origin: germline. Affected: yes. Observed: 2 variant alleles. Not counted in ClinVar's aggregate classification.

Literature cited by the submitters: PubMed 29310832 (cited by Quest Diagnostics Nichols Institute San Juan Capistrano); PubMed 32438681 (cited by Quest Diagnostics Nichols Institute San Juan Capistrano); PubMed 20104584 (cited by Labcorp Genetics (formerly Invitae), Labcorp); PubMed 16267036 (cited by Counsyl).

NM_007294.4(BRCA1):c.5150del (p.Phe1717fs)

Gene: BRCA1 (BRCA1 DNA repair associated; minus strand). Cytogenetic location: 17q21.31.
Variant type: Deletion.
Coding change: c.5150del on transcript NM_007294.4 (MANE Select); coding-DNA position 5150, one base deleted (T; older notation c.5150delT).
Protein change: p.Phe1717fs; shifts the reading frame from phenylalanine 1717.
Molecular consequence: frameshift variant. On other transcripts: non-coding transcript variant (1).
Genome position (GRCh38, 1-based): chr17:43,063,876, A deleted on the plus strand (T on the coding strand, the reverse complement: BRCA1 is on the minus strand); the first of 3 consecutive A bases (chr17:43,063,876-43,063,878); deleting any one gives the same sequence. VCF-style (leftmost placement, unchanged base first): chr17-43063875-GA-G. GRCh37 (hg19) VCF-style: chr17-41215892-GA-G.
Other names: 5269delT; c.5150delT (NM_007294.3); c.4935delT, p.Phe1646Serfs (NM_001407571.1, NM_001407894.1, NM_001407895.1 and 12 more transcripts); c.5214delT, p.Phe1739Serfs (NM_001407581.1, NM_001407582.1); c.5211delT, p.Phe1738Serfs (NM_001407583.1, NM_001407585.1, NM_001407587.1); c.5208delT, p.Phe1737Serfs (NM_001407590.1, NM_001407591.1); c.5148delT, p.Phe1717Serfs (NM_001407593.1, NM_001407594.1, NM_001407596.1 and 7 more transcripts); c.5145delT, p.Phe1716Serfs (NM_001407610.1, NM_001407611.1, NM_001407612.1 and 17 more transcripts); and 76 more; short protein forms F1717fs, F613fs, F1738fs, F1670fs.
Identifiers: ClinVar variation 55422 (VCV000055422.22), dbSNP rs80357720, ClinGen allele CA003275.